The following is an entry in ClinVar:

NM_013247.5(HTRA2):c.529G>A (p.Val177Ile)

Gene: HTRA2 (HtrA serine peptidase 2; plus strand). Cytogenetic location: 2p13.1.
Variant type: single nucleotide variant.
Coding change: c.529G>A on transcript NM_013247.5 (MANE Select); coding-DNA position 529, G replaced by A.
Protein change: p.Val177Ile; replaces valine 177 with isoleucine.
Molecular consequence: missense variant. On other transcripts: non-coding transcript variant (4).
Genome position (GRCh38, 1-based): chr2:74,530,639, G>A. VCF-style: chr2-74530639-G-A. GRCh37 (hg19) VCF-style: chr2-74757766-G-A.
Other names: c.529G>A, p.Val177Ile (NM_001321727.1, NM_001321728.1, NM_145074.2); short protein forms V177I.
Identifiers: ClinVar variation 3368050 (VCV003368050.2).

ClinVar aggregate classification (germline): Uncertain significance. Review status: criteria provided, multiple submitters, no conflicts (2 of 4 stars). 2 submissions from 2 submitters: Uncertain significance (2). Last evaluated 2025-11-13.

Conditions:
Inborn genetic diseases. Identifiers: MedGen C0950123, MeSH D030342.

Submissions (2):

Ambry Genetics
Classification: Uncertain significance for Inborn genetic diseases. Last evaluated: 2025-11-13. Review status: criteria provided, single submitter. Criteria: Ambry Variant Classification Scheme 2023. Collection method: clinical testing. Allele origin: germline.

GeneDx
Classification: Uncertain significance. Last evaluated: 2024-01-19. Review status: criteria provided, single submitter. Criteria: GeneDx Variant Classification Process June 2021. Collection method: clinical testing. Allele origin: germline. Affected: yes.
Comment: In silico analysis supports that this missense variant does not alter protein structure/function; Has not been previously published as pathogenic or benign to our knowledge